The following is an entry in ClinVar:

NM_004006.3(DMD):c.5058G>C (p.Gln1686His)

Gene: DMD (dystrophin; minus strand). Cytogenetic location: Xp21.1.
Variant type: single nucleotide variant.
Coding change: c.5058G>C on transcript NM_004006.3 (MANE Select); coding-DNA position 5058, G replaced by C.
Protein change: p.Gln1686His; replaces glutamine 1686 with histidine.
Molecular consequence: missense variant.
Genome position (GRCh38, 1-based): chrX:32,364,678, C>G on the plus strand (G>C on the coding strand, the complement: DMD is on the minus strand). VCF-style: chrX-32364678-C-G. GRCh37 (hg19) VCF-style: chrX-32382795-C-G.
Other names: c.5034G>C, p.Gln1678His (NM_000109.4); c.5046G>C, p.Gln1682His (NM_004009.3); c.4689G>C, p.Gln1563His (NM_004010.3); c.1035G>C, p.Gln345His (NM_004011.4); c.1026G>C, p.Gln342His (NM_004012.4); short protein forms Q342H, Q1563H, Q1678H, Q345H, Q1682H, Q1686H.
Identifiers: ClinVar variation 2626676 (VCV002626676.5), dbSNP rs1207276080, ClinGen allele CA412671627.

ClinVar aggregate classification (germline): Uncertain significance. Review status: criteria provided, multiple submitters, no conflicts (2 of 4 stars). 2 submissions from 2 submitters: Uncertain significance (2). Last evaluated 2023-07-06.

Conditions:
Cardiovascular phenotype. Identifiers: MedGen CN230736.
Duchenne muscular dystrophy (DMD). Also called: Duchenne Muscular Dystrophy (DMD); MUSCULAR DYSTROPHY, PSEUDOHYPERTROPHIC PROGRESSIVE, DUCHENNE TYPE. Identifiers: Orphanet 98896, MedGen C0013264, MONDO:0010679, OMIM 310200.

Allele frequency attached by ClinVar (database versions not stated): TOPMed below 0.00001; gnomAD 0.00001.
gnomAD v4.1: 1 of 1,208,024 alleles (0.000083%); highest among the groups gnomAD compares: African/African-American, 0.0018%; no homozygotes.

Submissions (2):

Ambry Genetics
Classification: Uncertain significance for Cardiovascular phenotype. Last evaluated: 2023-07-06. Review status: criteria provided, single submitter. Criteria: Ambry Variant Classification Scheme 2023. Collection method: clinical testing. Allele origin: germline.
Comment: The p.Q1686H variant (also known as c.5058G>C), located in coding exon 36 of the DMD gene, results from a G to C substitution at nucleotide position 5058. The glutamine at codon 1686 is replaced by histidine, an amino acid with highly similar properties. This amino acid position is well conserved in available vertebrate species. In addition, this alteration is predicted to be tolerated by in silico analysis. Since supporting evidence is limited at this time, the clinical significance of this alteration remains unclear.

Labcorp Genetics (formerly Invitae), Labcorp
Classification: Uncertain significance for Duchenne muscular dystrophy. Last evaluated: 2022-12-19. Review status: criteria provided, single submitter. Criteria: Invitae Variant Classification Sherloc (09022015). Collection method: clinical testing. Allele origin: germline.
Comment: In summary, the available evidence is currently insufficient to determine the role of this variant in disease. Therefore, it has been classified as a Variant of Uncertain Significance. Advanced modeling of protein sequence and biophysical properties (such as structural, functional, and spatial information, amino acid conservation, physicochemical variation, residue mobility, and thermodynamic stability) performed at Invitae indicates that this missense variant is not expected to disrupt DMD protein function. This variant has not been reported in the literature in individuals affected with DMD-related conditions. This variant is not present in population databases (gnomAD no frequency). This sequence change replaces glutamine, which is neutral and polar, with histidine, which is basic and polar, at codon 1686 of the DMD protein (p.Gln1686His).